The following is an entry in ClinVar:

NM_000090.4(COL3A1):c.3361C>T (p.Pro1121Ser)

Gene: COL3A1 (collagen type III alpha 1 chain; plus strand). Cytogenetic location: 2q32.2.
Variant type: single nucleotide variant.
Coding change: c.3361C>T on transcript NM_000090.4 (MANE Select); coding-DNA position 3361, C replaced by T.
Protein change: p.Pro1121Ser; replaces proline 1121 with serine.
Molecular consequence: missense variant.
Genome position (GRCh38, 1-based): chr2:189,007,605, C>T. VCF-style: chr2-189007605-C-T. GRCh37 (hg19) VCF-style: chr2-189872331-C-T.
Other names: short protein forms P1121S.
Identifiers: ClinVar variation 3257286 (VCV003257286.17).

ClinVar aggregate classification (germline): Uncertain significance (1 of 4 stars; one submission).

Submission:

CeGaT Center for Human Genetics Tuebingen
Classification: Uncertain significance. Last evaluated: 2024-07-01. Review status: criteria provided, single submitter. Criteria: CeGaT Center For Human Genetics Tuebingen Variant Classification Criteria Version 2. Collection method: clinical testing. Allele origin: germline. Affected: yes. Observed: 1 variant allele.
Comment: COL3A1: PM2